The following is an entry in ClinVar:

NM_000046.5(ARSB):c.92T>C (p.Leu31Ser)

Genes: ARSB (arylsulfatase B; minus strand), LOC129994126 (ATAC-STARR-seq lymphoblastoid silent region 16127; plus strand). Cytogenetic location: 5q14.1.
Variant type: single nucleotide variant.
Coding change: c.92T>C on transcript NM_000046.5 (MANE Select); coding-DNA position 92, T replaced by C.
Protein change: p.Leu31Ser; replaces leucine 31 with serine.
Molecular consequence: missense variant.
Genome position (GRCh38, 1-based): chr5:78,985,157, A>G on the plus strand (T>C on the coding strand, the complement: ARSB is on the minus strand). VCF-style: chr5-78985157-A-G. GRCh37 (hg19) VCF-style: chr5-78280980-A-G.
Other names: c.92T>C, p.Leu31Ser (NM_198709.3); short protein forms L31S.
Identifiers: ClinVar variation 2121969 (VCV002121969.4), dbSNP rs2530671613, ClinGen allele CA360197145.

ClinVar aggregate classification (germline): Uncertain significance (1 of 4 stars; one submission).

Conditions:
Mucopolysaccharidosis type 6 (MPS6). Also called: ARSB DEFICIENCY; ARYLSULFATASE B DEFICIENCY; MPS 6; Maroteaux Lamy syndrome; MPS VI; N-ACETYLGALACTOSAMINE-4-SULFATASE DEFICIENCY. Identifiers: Orphanet 583, MedGen C0026709, MONDO:0009661, OMIM 253200.

Submission:

Labcorp Genetics (formerly Invitae), Labcorp
Classification: Uncertain significance for Mucopolysaccharidosis type 6. Last evaluated: 2022-11-22. Review status: criteria provided, single submitter. Criteria: Invitae Variant Classification Sherloc (09022015). Collection method: clinical testing. Allele origin: germline.
Comment: In summary, the available evidence is currently insufficient to determine the role of this variant in disease. Therefore, it has been classified as a Variant of Uncertain Significance. Advanced modeling of protein sequence and biophysical properties (such as structural, functional, and spatial information, amino acid conservation, physicochemical variation, residue mobility, and thermodynamic stability) has been performed at Invitae for this missense variant, however the output from this modeling did not meet the statistical confidence thresholds required to predict the impact of this variant on ARSB protein function. This variant has not been reported in the literature in individuals affected with ARSB-related conditions. This variant is not present in population databases (gnomAD no frequency). This sequence change replaces leucine, which is neutral and non-polar, with serine, which is neutral and polar, at codon 31 of the ARSB protein (p.Leu31Ser).